The following is an entry in ClinVar:

ClinVar aggregate classification (germline): Pathogenic (0 of 4 stars; one submission).

Conditions:
Angelman syndrome (AS). Also called: HAPPY PUPPET SYNDROME. Identifiers: Orphanet 72, MedGen C0162635, MONDO:0007113, OMIM 105830. Disease mechanism: loss of function. Inheritance: AS is caused by disruption of maternally imprinted UBE3A located within the 15q11.2-q13 Angelman syndrome/Prader-Willi syndrome (AS/PWS) region., imprinting disorder.

Submission:

Baylor Genetics
Classification: Pathogenic for Angelman Syndrome. Last evaluated: 2014-02-14. Review status: no assertion criteria provided. Collection method: clinical testing. Allele origin: germline. Affected: yes. Observed: 1 variant allele. Study: UBE3A Mutation Study.
Comment: Data collected from clinical UBE3A sequence analysis results

Literature cited by the submitters: PubMed 25212744.

NM_130839.5(UBE3A):c.1021C>T (p.Gln341Ter)

Genes: SNHG14 (small nucleolar RNA host gene 14; plus strand), UBE3A (ubiquitin protein ligase E3A; minus strand). Cytogenetic location: 15q11.2.
Variant type: single nucleotide variant.
Coding change: c.1021C>T on transcript NM_130839.5 (MANE Select); coding-DNA position 1021, C replaced by T.
Protein change: p.Gln341Ter; replaces glutamine 341 with a stop codon.
Molecular consequence: nonsense. On other transcripts: non-coding transcript variant (1), intron variant (2).
Genome position (GRCh38, 1-based): chr15:25,371,153, G>A on the plus strand (C>T on the coding strand, the complement: UBE3A is on the minus strand). VCF-style: chr15-25371153-G-A. GRCh37 (hg19) VCF-style: chr15-25616300-G-A.
Other names: c.1030C>T, p.Gln344Ter (NM_000462.5); c.1021C>T, p.Gln341Ter (NM_001354505.1, NM_001354538.2, NM_001354545.2); c.961C>T, p.Gln321Ter (NM_001354506.2, NM_001354507.2, NM_001354508.2 and 17 more transcripts); c.844C>T, p.Gln282Ter (NM_001354546.2); c.301+4312C>T (NM_001354551.2); c.361+4312C>T (NM_001354550.2); short protein forms Q321*, Q282*, Q341*, Q344*.
Identifiers: ClinVar variation 155942 (VCV000155942.1), dbSNP rs587781191, ClinGen allele CA333297.
Genomic context (GRCh38, chr15:25,371,153, plus strand): 5'-CATTCACTAGATTTCGACTGTTAAATTCATTGCTTATGACTTTATAAGTAATAAGTTGCT[G>A]AAATGTCTCCATCATTCTCCGAATCTGGTCTGCATTGTATTTAGACCACAGTCTGATCAG-3'